The following is an entry in ClinVar:

ClinVar aggregate classification (germline): Uncertain significance (1 of 4 stars; one submission).

Conditions:
Acyl-CoA oxidase deficiency. Also called: Peroxisomal acyl-CoA oxidase deficiency; STRAIGHT-CHAIN ACYL-CoA OXIDASE DEFICIENCY; Pseudoneonatal adrenoleukodystrophy. Identifiers: Orphanet 2971, MedGen C1849678, MONDO:0009919, OMIM 264470. Disease mechanism: loss of function.

Submission:

Labcorp Genetics (formerly Invitae), Labcorp
Classification: Uncertain significance for Acyl-CoA oxidase deficiency. Last evaluated: 2023-03-09. Review status: criteria provided, single submitter. Criteria: Invitae Variant Classification Sherloc (09022015). Collection method: clinical testing. Allele origin: germline.
Comment: This variant is not present in population databases (gnomAD no frequency). This sequence change replaces lysine, which is basic and polar, with arginine, which is basic and polar, at codon 272 of the ACOX1 protein (p.Lys272Arg). This variant has not been reported in the literature in individuals affected with ACOX1-related conditions. Advanced modeling of protein sequence and biophysical properties (such as structural, functional, and spatial information, amino acid conservation, physicochemical variation, residue mobility, and thermodynamic stability) performed at Invitae indicates that this missense variant is not expected to disrupt ACOX1 protein function. In summary, the available evidence is currently insufficient to determine the role of this variant in disease. Therefore, it has been classified as a Variant of Uncertain Significance.

NM_004035.7(ACOX1):c.815A>G (p.Lys272Arg)

Gene: ACOX1 (acyl-CoA oxidase 1; minus strand). Cytogenetic location: 17q25.1.
Variant type: single nucleotide variant.
Coding change: c.815A>G on transcript NM_004035.7 (MANE Select); coding-DNA position 815, A replaced by G.
Protein change: p.Lys272Arg; replaces lysine 272 with arginine.
Molecular consequence: missense variant.
Genome position (GRCh38, 1-based): chr17:75,953,580, T>C on the plus strand (A>G on the coding strand, the complement: ACOX1 is on the minus strand). VCF-style: chr17-75953580-T-C. GRCh37 (hg19) VCF-style: chr17-73949661-T-C.
Other names: c.701A>G, p.Lys234Arg (NM_001185039.2); c.815A>G, p.Lys272Arg (NM_007292.6); short protein forms K234R, K272R.
Identifiers: ClinVar variation 2812045 (VCV002812045.3), dbSNP rs2546077909, ClinGen allele CA401065825.
Genomic context (GRCh38, chr17:75,953,580, plus strand): 5'-GCCCGAGCAGCTTCTCCCACAAGGAAGGACCTGACAAACACCATGGTCCCGTAAGTCAGC[T>C]TGTTACTCAGCGGTTTCACGTATGTGCCATCAGGCTTCACCTGGAAGAAGAACGTGGAAC-3'
Protein context (NP_004026.2, residues 262-282): DGTYVKPLSN[Lys272Arg]LTYGTMVFVR